The following is an entry in ClinVar:

ClinVar aggregate classification (germline): Uncertain significance. Review status: criteria provided, multiple submitters, no conflicts (2 of 4 stars). 3 submissions from 3 submitters: Uncertain significance (3). Last evaluated 2025-12-02.

Conditions:
Genetic developmental and epileptic encephalopathy. Identifiers: MedGen CN379639, MONDO:0100062.
Inborn genetic diseases. Identifiers: MedGen C0950123, MeSH D030342.

Allele frequency attached by ClinVar (database versions not stated): gnomAD exomes below 0.00001; TOPMed below 0.00001; gnomAD 0.00001.
gnomAD v4.1: 3 of 1,600,320 alleles (0.00019%); highest among the groups gnomAD compares: Non-Finnish European, 0.00026%; no homozygotes.

Submissions (3):

Ambry Genetics
Classification: Uncertain significance for Inborn genetic diseases. Last evaluated: 2025-12-02. Review status: criteria provided, single submitter. Criteria: Ambry Variant Classification Scheme 2023. Collection method: clinical testing. Allele origin: germline.

Labcorp Genetics (formerly Invitae), Labcorp
Classification: Uncertain significance. Last evaluated: 2022-07-04. Review status: criteria provided, single submitter. Criteria: Invitae Variant Classification Sherloc (09022015). Collection method: clinical testing. Allele origin: germline.
Comment: This sequence change replaces glutamine, which is neutral and polar, with lysine, which is basic and polar, at codon 2085 of the CACNA1E protein (p.Gln2085Lys). This variant is not present in population databases (gnomAD no frequency). This variant has not been reported in the literature in individuals affected with CACNA1E-related conditions. Advanced modeling of protein sequence and biophysical properties (such as structural, functional, and spatial information, amino acid conservation, physicochemical variation, residue mobility, and thermodynamic stability) performed at Invitae indicates that this missense variant is not expected to disrupt CACNA1E protein function. In summary, the available evidence is currently insufficient to determine the role of this variant in disease. Therefore, it has been classified as a Variant of Uncertain Significance.

Cambridge Genomics Laboratory, East Genomic Laboratory Hub, NHS Genomic Medicine Service
Classification: Uncertain significance for Genetic developmental and epileptic encephalopathy. Last evaluated: 2019-11-28. Review status: criteria provided, single submitter. Criteria: ACGS Best Practice Guidelines for Variant Classification in Rare Disease 2020. Collection method: clinical testing. Allele origin: germline. Affected: yes. Observed: 1 variant allele.

NM_001205293.3(CACNA1E):c.6382C>A (p.Gln2128Lys)

Gene: CACNA1E (calcium voltage-gated channel subunit alpha1 E; plus strand). Cytogenetic location: 1q25.3.
Variant type: single nucleotide variant.
Coding change: c.6382C>A on transcript NM_001205293.3 (MANE Select); coding-DNA position 6382, C replaced by A.
Protein change: p.Gln2128Lys; replaces glutamine 2128 with lysine.
Molecular consequence: missense variant.
Genome position (GRCh38, 1-based): chr1:181,796,841, C>A. VCF-style: chr1-181796841-C-A. GRCh37 (hg19) VCF-style: chr1-181765977-C-A.
Other names: c.6253C>A, p.Gln2085Lys (NM_000721.4); c.6196C>A, p.Gln2066Lys (NM_001205294.2); c.6382C>A (NM_001205293.1); short protein forms Q2128K, Q2066K, Q2085K.
Identifiers: ClinVar variation 2073331 (VCV002073331.6), dbSNP rs76315042, ClinGen allele CA343633672.
Genomic context (GRCh38, chr1:181,796,841, plus strand): 5'-CAGGCTGACTGGGAGTCCCCAGAGCGCCGTCAATCCAGGTCACCCAGTGAGGGCAGGTCA[C>A]AGACGCCCAACAGACAGGTGAGCGCAGAGAGGAAGCCAGTCTACAGCAGAAGGACAGGGG-3'
Protein context (NP_001192222.1, residues 2118-2138): QSRSPSEGRS[Gln2128Lys]TPNRQGTGSL